The following is an entry in ClinVar:

NM_000397.4(CYBB):c.886del (p.Val296fs)

Gene: CYBB (cytochrome b-245 beta chain; plus strand). Cytogenetic location: Xp11.4.
Variant type: Deletion.
Coding change: c.886del on transcript NM_000397.4 (MANE Select); coding-DNA position 886, one base deleted (G; older notation c.886delG).
Protein change: p.Val296fs; shifts the reading frame from valine 296.
Molecular consequence: frameshift variant.
Genome position (GRCh38, 1-based): chrX:37,801,337, G deleted; the last of 2 consecutive G bases (chrX:37,801,336-37,801,337); deleting either gives the same sequence. VCF-style (leftmost placement, unchanged base first): chrX-37801335-TG-T. GRCh37 (hg19) VCF-style: chrX-37660588-TG-T.
Other names: short protein forms V296fs.
Identifiers: ClinVar variation 2012659 (VCV002012659.4), dbSNP rs2519206740, ClinGen allele CA2579583087.

ClinVar aggregate classification (germline): Pathogenic (1 of 4 stars; one submission).

Conditions:
Granulomatous disease, chronic, X-linked. Also called: GRANULOMATOUS DISEASE, CHRONIC, X-LINKED, SOMATIC MOSAIC; CYTOCHROME b-NEGATIVE GRANULOMATOUS DISEASE, CHRONIC, X-LINKED. Identifiers: Orphanet 379, MedGen C1844376, MONDO:0010600, OMIM 306400.

Submission:

Labcorp Genetics (formerly Invitae), Labcorp
Classification: Pathogenic for Granulomatous disease, chronic, X-linked. Last evaluated: 2022-10-05. Review status: criteria provided, single submitter. Criteria: Invitae Variant Classification Sherloc (09022015). Collection method: clinical testing. Allele origin: germline.
Comment: For these reasons, this variant has been classified as Pathogenic. This variant has not been reported in the literature in individuals affected with CYBB-related conditions. This variant is not present in population databases (gnomAD no frequency). This sequence change creates a premature translational stop signal (p.Val296Serfs*17) in the CYBB gene. It is expected to result in an absent or disrupted protein product. Loss-of-function variants in CYBB are known to be pathogenic (PMID: 9585602, 20729109).

Literature cited by the submitters: PubMed 9585602; PubMed 20729109.